The following is an entry in ClinVar:

NM_004530.6(MMP2):c.*523T>C

Gene: MMP2 (matrix metallopeptidase 2; plus strand). Cytogenetic location: 16q12.2.
Variant type: single nucleotide variant.
Coding change: c.*523T>C on transcript NM_004530.6 (MANE Select); 523 bases downstream of the stop codon, T replaced by C.
Molecular consequence: 3 prime UTR variant.
Genome position (GRCh38, 1-based): chr16:55,505,965, T>C. VCF-style: chr16-55505965-T-C. GRCh37 (hg19) VCF-style: chr16-55539877-T-C.
Other names: c.*523T>C (NM_001127891.3, NM_001302508.1, NM_001302509.2 and 1 more transcripts).
Identifiers: ClinVar variation 885267 (VCV000885267.4), dbSNP rs141779983, ClinGen allele CA281401968.

ClinVar aggregate classification (germline): Likely benign (1 of 4 stars; one submission).

Conditions:
Multicentric osteolysis nodulosis arthropathy spectrum. Identifiers: Orphanet 3460, Orphanet 371428, MedGen C1850155, MONDO:0018298.

Allele frequency attached by ClinVar (database versions not stated): gnomAD 0.00095 and 0.00192; gnomAD exomes 0.00135; TOPMed 0.00176; 1000 Genomes Project 30x 0.00609; 1000 Genomes Project 0.00639.
gnomAD v4.1: 315 of 163,094 alleles (0.19%); highest among the groups gnomAD compares: Middle Eastern, 2.2%; 2 homozygotes.

Submission:

Illumina Laboratory Services, Illumina
Classification: Likely benign for Multicentric osteolysis, nodulosis, and arthropathy. Last evaluated: 2018-01-13. Review status: criteria provided, single submitter. Criteria: ICSL Variant Classification Criteria 13 December 2019. Collection method: clinical testing. Allele origin: germline.
Comment: This variant was observed in the ICSL laboratory as part of a predisposition screen in an ostensibly healthy population. It had not been previously curated by ICSL or reported in the Human Gene Mutation Database (HGMD: prior to June 1st, 2018), and was therefore a candidate for classification through an automated scoring system. Utilizing variant allele frequency, disease prevalence and penetrance estimates, and inheritance mode, an automated score was calculated to assess if this variant is too frequent to cause the disease. Based on the score and internal cut-off values, a variant classified as likely benign is not then subjected to further curation. The score for this variant resulted in a classification of likely benign for this disease.